The following is an entry in ClinVar:

ClinVar aggregate classification (germline): Uncertain significance (1 of 4 stars; one submission).

Conditions:
Axenfeld-Rieger syndrome type 3 (RIEG3). Also called: AXENFELD-RIEGER ANOMALY WITH CARDIAC DEFECTS AND/OR SENSORINEURAL HEARING LOSS. Identifiers: Orphanet 782, MedGen C2678503, MONDO:0011233, OMIM 602482.

gnomAD v4.1: 26 of 1,475,516 alleles (0.0018%); highest among the groups gnomAD compares: Non-Finnish European, 0.0022%; no homozygotes.

Submission:

Labcorp Genetics (formerly Invitae), Labcorp
Classification: Uncertain significance for Axenfeld-Rieger syndrome type 3. Last evaluated: 2025-12-14. Review status: criteria provided, single submitter. Criteria: Invitae Variant Classification Sherloc (09022015). Collection method: clinical testing. Allele origin: germline.
Comment: This sequence change affects codon 10 of the FOXC1 mRNA. It is a 'silent' change, meaning that it does not change the encoded amino acid sequence of the FOXC1 protein. This variant is not present in population databases (gnomAD no frequency). This variant has not been reported in the literature in individuals affected with FOXC1-related conditions. In summary, the available evidence is currently insufficient to determine the role of this variant in disease. Therefore, it has been classified as a Variant of Uncertain Significance.

NM_001453.3(FOXC1):c.30C>G (p.Pro10=)

Gene: FOXC1 (forkhead box C1; plus strand). Cytogenetic location: 6p25.3.
Variant type: single nucleotide variant.
Coding change: c.30C>G on transcript NM_001453.3 (MANE Select); coding-DNA position 30, C replaced by G.
Protein change: p.Pro10=; no amino-acid change (proline 10 retained).
Molecular consequence: synonymous variant.
Genome position (GRCh38, 1-based): chr6:1,610,475, C>G. VCF-style: chr6-1610475-C-G. GRCh37 (hg19) VCF-style: chr6-1610710-C-G.
Identifiers: ClinVar variation 4774678 (VCV004774678.1).